The following is an entry in ClinVar:

ClinVar aggregate classification (germline): Likely benign (0 of 4 stars; one submission).

Conditions:
HIVEP3-related disorder. Also called: HIVEP3-related condition.

Allele frequency attached by ClinVar (database versions not stated): ExAC 0.00001; TOPMed 0.00002; gnomAD 0.00005.
gnomAD v4.1: 47 of 1,600,624 alleles (0.0029%); highest among the groups gnomAD compares: East Asian, 0.031%; no homozygotes.

Submission:

PreventionGenetics, part of Exact Sciences
Classification: Likely benign for HIVEP3-related condition. Last evaluated: 2019-04-05. Review status: no assertion criteria provided. Collection method: clinical testing. Allele origin: germline.
Comment: This variant is classified as likely benign based on ACMG/AMP sequence variant interpretation guidelines (Richards et al. 2015 PMID: 25741868, with internal and published modifications).

NM_024503.5(HIVEP3):c.3258C>A (p.Ser1086=)

Gene: HIVEP3 (HIVEP zinc finger 3; minus strand). Cytogenetic location: 1p34.2.
Variant type: single nucleotide variant.
Coding change: c.3258C>A on transcript NM_024503.5 (MANE Select); coding-DNA position 3258, C replaced by A.
Protein change: p.Ser1086=; no amino-acid change (serine 1086 retained).
Molecular consequence: synonymous variant.
Genome position (GRCh38, 1-based): chr1:41,581,540, G>T on the plus strand (C>A on the coding strand, the complement: HIVEP3 is on the minus strand). VCF-style: chr1-41581540-G-T. GRCh37 (hg19) VCF-style: chr1-42047211-G-T.
Other names: c.3258C>A, p.Ser1086= (NM_001127714.3).
Identifiers: ClinVar variation 3057399 (VCV003057399.2), dbSNP rs755009116, ClinGen allele CA797889.
Genomic context (GRCh38, chr1:41,581,540, plus strand): 5'-CTGCCCTGGGCCCTTGCCTCCCGGGGGTCCACCATGTGAGGTGGCCGCAGAGGAAATCTG[G>T]GACAATGAGCTTTTGGCAGAGGGTTTACTGGATGAGGGCTGTGGTTCTTCGCTCTCCTGT-3'
Protein context (NP_078779.2, residues 1076-1096): SSKPSAKSSL[Ser1086=]QISSAATSHG